The following is an entry in ClinVar:

NM_000193.4(SHH):c.1224C>G (p.Gly408=)

Gene: SHH (sonic hedgehog signaling molecule; minus strand). Cytogenetic location: 7q36.3.
Variant type: single nucleotide variant.
Coding change: c.1224C>G on transcript NM_000193.4 (MANE Select); coding-DNA position 1224, C replaced by G.
Protein change: p.Gly408=; no amino-acid change (glycine 408 retained).
Molecular consequence: synonymous variant. On other transcripts: intron variant (1).
Genome position (GRCh38, 1-based): chr7:155,803,065, G>C on the plus strand (C>G on the coding strand, the complement: SHH is on the minus strand). VCF-style: chr7-155803065-G-C. GRCh37 (hg19) VCF-style: chr7-155595759-G-C.
Other names: c.302-2820C>G (NM_001310462.2).
Identifiers: ClinVar variation 3341857 (VCV003341857.16).

ClinVar aggregate classification (germline): Likely benign (1 of 4 stars; one submission).

Submission:

CeGaT Center for Human Genetics Tuebingen
Classification: Likely benign. Last evaluated: 2024-08-01. Review status: criteria provided, single submitter. Criteria: CeGaT Center For Human Genetics Tuebingen Variant Classification Criteria Version 2. Collection method: clinical testing. Allele origin: germline. Affected: yes. Observed: 1 variant allele.
Comment: SHH: PM2:Supporting, BP4, BP7